The following is an entry in ClinVar:

ClinVar aggregate classification (germline): Conflicting classifications of pathogenicity. Review status: criteria provided, conflicting classifications (1 of 4 stars). 5 submissions from 5 submitters: Uncertain significance (3); Likely benign (2). Last evaluated 2025-10-14.

Conditions:
CTC1-related disorder. Also called: CTC1-related condition.
Dyskeratosis congenita. Identifiers: Orphanet 1775, MedGen C0265965, MONDO:0015780.
Cerebroretinal microangiopathy with calcifications and cysts 1 (CRMCC1). Identifiers: Orphanet 313838, MedGen C4552029, MONDO:0024564, OMIM 612199.

gnomAD v4.1: 187 of 1,559,384 alleles (0.012%); highest among the groups gnomAD compares: Non-Finnish European, 0.016%; no homozygotes.

Submissions (5):

Labcorp Genetics (formerly Invitae), Labcorp
Classification: Likely benign for Dyskeratosis congenita. Last evaluated: 2025-10-14. Review status: criteria provided, single submitter. Criteria: Invitae Variant Classification Sherloc (09022015). Collection method: clinical testing. Allele origin: germline.

PreventionGenetics, part of Exact Sciences
Classification: Uncertain significance for CTC1-related condition. Last evaluated: 2025-06-19. Review status: criteria provided, single submitter. Criteria: ACMG Guidelines, 2015. Collection method: clinical testing. Allele origin: germline.
Comment: The CTC1 c.24C>A variant is not predicted to result in an amino acid change (p.=). To our knowledge, this variant has not been reported in the literature. This variant is reported in 0.015% of alleles in individuals of European (Non-Finnish) descent in gnomAD. At this time, the clinical significance of this variant is uncertain due to the absence of conclusive functional and genetic evidence.

Blueprint Genetics
Classification: Uncertain significance. Last evaluated: 2024-10-03. Review status: criteria provided, single submitter. Criteria: ACMG Guidelines, 2015. Collection method: clinical testing. Allele origin: germline.

Genome-Nilou Lab
Classification: Likely benign for Cerebroretinal microangiopathy with calcifications and cysts 1. Last evaluated: 2021-07-15. Review status: criteria provided, single submitter. Criteria: ACMG Guidelines, 2015. Collection method: clinical testing. Allele origin: germline. Affected: no.

GeneDx
Classification: Uncertain significance. Last evaluated: 2019-09-12. Review status: criteria provided, single submitter. Criteria: GeneDx Variant Classification Process June 2021. Collection method: clinical testing. Allele origin: germline. Affected: yes.
Comment: Has not been previously published as pathogenic or benign to our knowledge; In silico analysis, which includes splice predictors and evolutionary conservation, suggests this variant may impact gene splicing. In the absence of RNA/functional studies, the actual effect of this sequence change is unknown

NM_025099.6(CTC1):c.24C>A (p.Val8=)

Genes: CTC1 (CST telomere replication complex component 1; minus strand), PFAS (phosphoribosylformylglycinamidine synthase; plus strand). Cytogenetic location: 17p13.1.
Variant type: single nucleotide variant.
Coding change: c.24C>A on transcript NM_025099.6 (MANE Select); coding-DNA position 24, C replaced by A.
Protein change: p.Val8=; no amino-acid change (valine 8 retained).
Molecular consequence: synonymous variant. On other transcripts: non-coding transcript variant (1).
Genome position (GRCh38, 1-based): chr17:8,248,013, G>T on the plus strand (C>A on the coding strand, the complement: CTC1 is on the minus strand). VCF-style: chr17-8248013-G-T. GRCh37 (hg19) VCF-style: chr17-8151331-G-T.
Identifiers: ClinVar variation 698540 (VCV000698540.16), dbSNP rs749818659, ClinGen allele CA8372756.
Genomic context (GRCh38, chr17:8,248,013, plus strand): 5'-ATCTGTGACAAACAAGAAAAAAGGAACAAGAGACGTAATAGCAGCACTCACGGAGGAAGG[G>T]ACCTGGGCCCGGCCAGCCGCCATGATGCGCCGGAGCTCCGCCCCCGGGAGGGGCAGGTGC-3'
Protein context (NP_079375.3, residues 1-18): MAAGRAQ[Val8=]PSSEQAWLED